The following is an entry in ClinVar:

NM_004958.4(MTOR):c.4288G>T (p.Ala1430Ser)

Gene: MTOR (mechanistic target of rapamycin kinase; minus strand). Cytogenetic location: 1p36.22.
Variant type: single nucleotide variant.
Coding change: c.4288G>T on transcript NM_004958.4 (MANE Select); coding-DNA position 4288, G replaced by T.
Protein change: p.Ala1430Ser; replaces alanine 1430 with serine.
Molecular consequence: missense variant.
Genome position (GRCh38, 1-based): chr1:11,167,483, C>A on the plus strand (G>T on the coding strand, the complement: MTOR is on the minus strand). VCF-style: chr1-11167483-C-A. GRCh37 (hg19) VCF-style: chr1-11227540-C-A.
Other names: c.4288G>T, p.Ala1430Ser (NM_001386500.1); c.3040G>T, p.Ala1014Ser (NM_001386501.1); short protein forms A1014S, A1430S.
Identifiers: ClinVar variation 3633490 (VCV003633490.2).

ClinVar aggregate classification (germline): Uncertain significance (1 of 4 stars; one submission).

Submission:

Labcorp Genetics (formerly Invitae), Labcorp
Classification: Uncertain significance. Last evaluated: 2024-11-25. Review status: criteria provided, single submitter. Criteria: Invitae Variant Classification Sherloc (09022015). Collection method: clinical testing. Allele origin: germline.
Comment: This sequence change replaces alanine, which is neutral and non-polar, with serine, which is neutral and polar, at codon 1430 of the MTOR protein (p.Ala1430Ser). This variant is not present in population databases (gnomAD no frequency). This variant has not been reported in the literature in individuals affected with MTOR-related conditions. Invitae Evidence Modeling of protein sequence and biophysical properties (such as structural, functional, and spatial information, amino acid conservation, physicochemical variation, residue mobility, and thermodynamic stability) indicates that this missense variant is not expected to disrupt MTOR protein function with a negative predictive value of 95%. In summary, the available evidence is currently insufficient to determine the role of this variant in disease. Therefore, it has been classified as a Variant of Uncertain Significance.